The following is an entry in ClinVar:

ClinVar aggregate classification (germline): Pathogenic (1 of 4 stars; one submission).

Conditions:
Dentinogenesis imperfecta type 2 (DGI1). Also called: CAPDEPONT TEETH; OPALESCENT DENTIN; OPALESCENT TEETH WITHOUT OSTEOGENESIS IMPERFECTA; Dentinogenesis imperfecta without osteogenesis imperfecta; Hereditary Opalescent Dentin; Dentinogenesis imperfecta - Shield's type II. Identifiers: Orphanet 166260, MedGen C2973527, MONDO:0007441, OMIM 125490. Disease mechanism: loss of function.

Submission:

Reference Center For Rare Oral And Dental Diseases, CRMR O-Rares, Hôpitaux Universitaires De Strasbourg
Classification: Pathogenic for Dentinogenesis imperfecta type 2. Last evaluated: 2025-09-03. Review status: criteria provided, single submitter. Criteria: ACMG Guidelines, 2015. Collection method: clinical testing. Allele origin: maternal. Inheritance: Autosomal dominant inheritance. Affected: yes. Observed: 2 variant alleles.
Comment: PVS1, PM2, PP4, PP1 (5)

NM_014208.3(DSPP):c.2827del (p.Asp943fs)

Genes: DMP1-AS1 (DMP1 and DSPP antisense RNA 1; minus strand), DSPP (dentin sialophosphoprotein; plus strand). Cytogenetic location: 4q22.1.
Variant type: Deletion.
Coding change: c.2827del on transcript NM_014208.3 (MANE Select); coding-DNA position 2827, one base deleted (G; older notation c.2827delG).
Protein change: p.Asp943fs; shifts the reading frame from aspartic acid 943.
Molecular consequence: frameshift variant.
Genome position (GRCh38, 1-based): chr4:87,615,489, G deleted. VCF-style (leftmost placement, unchanged base first): chr4-87615488-TG-T. GRCh37 (hg19) VCF-style: chr4-88536640-TG-T.
Other names: short protein forms D943fs.
Identifiers: ClinVar variation 4082234 (VCV004082234.1).